The following is an entry in ClinVar:

ClinVar aggregate classification (germline): Uncertain significance (1 of 4 stars; one submission).

Submission:

GeneDx
Classification: Uncertain significance. Last evaluated: 2023-04-06. Review status: criteria provided, single submitter. Criteria: GeneDx Variant Classification Process June 2021. Collection method: clinical testing. Allele origin: germline. Affected: yes.
Comment: Not observed at significant frequency in large population cohorts (gnomAD); In silico analysis supports that this missense variant has a deleterious effect on protein structure/function; Has not been previously published as pathogenic or benign to our knowledge

NM_001046.3(SLC12A2):c.2258A>G (p.Lys753Arg)

Gene: SLC12A2 (solute carrier family 12 member 2; plus strand). Cytogenetic location: 5q23.3.
Variant type: single nucleotide variant.
Coding change: c.2258A>G on transcript NM_001046.3 (MANE Select); coding-DNA position 2258, A replaced by G.
Protein change: p.Lys753Arg; replaces lysine 753 with arginine.
Molecular consequence: missense variant. On other transcripts: non-coding transcript variant (1).
Genome position (GRCh38, 1-based): chr5:128,151,391, A>G. VCF-style: chr5-128151391-A-G. GRCh37 (hg19) VCF-style: chr5-127487083-A-G.
Other names: c.2258A>G, p.Lys753Arg (NM_001256461.2); short protein forms K753R.
Identifiers: ClinVar variation 2662510 (VCV002662510.1), dbSNP rs2479411929, ClinGen allele CA360749162.